The following is an entry in ClinVar:

ClinVar aggregate classification (germline): Benign/Likely benign. Review status: criteria provided, multiple submitters, no conflicts (2 of 4 stars). 6 submissions from 6 submitters: Benign (3); Likely benign (2). 1 of the submissions does not count toward it. Last evaluated 2026-01-28.

Conditions:
Hermansky-Pudlak syndrome 4 (HPS4). Identifiers: Orphanet 231500, Orphanet 79430, MedGen C3484357, MONDO:0013556, OMIM 614073.

Allele frequency attached by ClinVar (database versions not stated): gnomAD exomes 0.00113; ExAC 0.00147; gnomAD 0.00411; ESP Exome Variant Server 0.00415; TOPMed 0.00479; 1000 Genomes Project 30x 0.00656; 1000 Genomes Project 0.00659.
gnomAD v4.1: 1,526 of 1,612,910 alleles (0.095%); highest among the groups gnomAD compares: African/African-American, 1.7%; 12 homozygotes.

Submissions (6):

Labcorp Genetics (formerly Invitae), Labcorp
Classification: Benign. Last evaluated: 2026-01-28. Review status: criteria provided, single submitter. Criteria: Invitae Variant Classification Sherloc (09022015). Collection method: clinical testing. Allele origin: germline.

Mayo Clinic Laboratories, Mayo Clinic
Classification: Benign. Last evaluated: 2025-07-29. Review status: criteria provided, single submitter. Criteria: ACMG Guidelines, 2015. Collection method: clinical testing. Allele origin: germline. Observed: 2 variant alleles.
Comment: BS1, BS2, BP4, BP7

Genetic Services Laboratory, University of Chicago
Classification: Likely benign. Last evaluated: 2016-02-05. Review status: criteria provided, single submitter. Criteria: ACMG Guidelines, 2015. Collection method: clinical testing. Allele origin: germline. Affected: no.

Genome Diagnostics Laboratory, University Medical Center Utrecht
Classification: Likely benign for Hermansky-Pudlak syndrome 4. Last evaluated: 2015-07-02. Review status: criteria provided, single submitter. Criteria: ACGS Guidelines, 2013. Collection method: clinical testing. Allele origin: germline. Affected: yes. Study: VKGL Data-share Consensus.

PreventionGenetics, part of Exact Sciences
Classification: Benign. Review status: criteria provided, single submitter. Criteria: ACMG Guidelines, 2015. Collection method: clinical testing. Allele origin: germline.

Clinical Genetics, Academic Medical Center
Classification: Benign. Review status: no assertion criteria provided. Collection method: clinical testing. Allele origin: germline. Affected: yes. Study: VKGL Data-share Consensus. Not counted in ClinVar's aggregate classification.

NM_022081.6(HPS4):c.710C>T (p.Ala237Val)

Gene: HPS4 (HPS4 biogenesis of lysosomal organelles complex 3 subunit 2; minus strand). Cytogenetic location: 22q12.1.
Variant type: single nucleotide variant.
Coding change: c.710C>T on transcript NM_022081.6 (MANE Select); coding-DNA position 710, C replaced by T.
Protein change: p.Ala237Val; replaces alanine 237 with valine.
Molecular consequence: missense variant. On other transcripts: non-coding transcript variant (8).
Genome position (GRCh38, 1-based): chr22:26,465,548, G>A on the plus strand (C>T on the coding strand, the complement: HPS4 is on the minus strand). VCF-style: chr22-26465548-G-A. GRCh37 (hg19) VCF-style: chr22-26861514-G-A.
Other names: p.Ala237Val; c.710C>T, p.Ala237Val (NM_001349896.1, NM_001349898.2, NM_001349899.2 and 4 more transcripts); c.764C>T, p.Ala255Val (NM_001349900.2, NM_001349901.1); c.695C>T, p.Ala232Val (NM_152841.2); short protein forms A232V, A237V, A255V.
Identifiers: ClinVar variation 261539 (VCV000261539.24), dbSNP rs77597168, ClinGen allele CA10163516.